The following is an entry in ClinVar:

NM_152672.6(SLC51A):c.777C>G (p.Phe259Leu)

Gene: SLC51A (solute carrier family 51 member A; plus strand). Cytogenetic location: 3q29.
Variant type: single nucleotide variant.
Coding change: c.777C>G on transcript NM_152672.6 (MANE Select); coding-DNA position 777, C replaced by G.
Protein change: p.Phe259Leu; replaces phenylalanine 259 with leucine.
Molecular consequence: missense variant.
Genome position (GRCh38, 1-based): chr3:196,230,058, C>G. VCF-style: chr3-196230058-C-G. GRCh37 (hg19) VCF-style: chr3-195956929-C-G.
Other names: short protein forms F259L.
Identifiers: ClinVar variation 4981129 (VCV004981129.1).

ClinVar aggregate classification (germline): Uncertain significance (1 of 4 stars; one submission).

Conditions:
SLC51A-related disorder. Also called: SLC51A-related condition.

gnomAD v4.1: 17 of 1,610,716 alleles (0.0011%); highest among the groups gnomAD compares: Middle Eastern, 0.25%; no homozygotes.

Submission:

PreventionGenetics, part of Exact Sciences
Classification: Uncertain significance for SLC51A-related condition. Last evaluated: 2024-10-21. Review status: criteria provided, single submitter. Criteria: ACMG Guidelines, 2015. Collection method: clinical testing. Allele origin: germline.
Comment: The SLC51A c.777C>G variant is predicted to result in the amino acid substitution p.Phe259Leu. To our knowledge, this variant has not been reported in the literature. This variant is reported in 0.0018% of alleles in individuals of European (Non-Finnish) descent in gnomAD. At this time, the clinical significance of this variant is uncertain due to the absence of conclusive functional and genetic evidence.